The following is an entry in ClinVar:

ClinVar aggregate classification (germline): Uncertain significance (1 of 4 stars; one submission).

Conditions:
Charcot-Marie-Tooth disease type 4. Also called: Charcot-Marie-Tooth, Type 4; Charcot-Marie-Tooth disease, type IV. Identifiers: Orphanet 64749, MedGen C4082197, MONDO:0018995.

Submission:

Labcorp Genetics (formerly Invitae), Labcorp
Classification: Uncertain significance for Charcot-Marie-Tooth disease type 4. Last evaluated: 2020-09-15. Review status: criteria provided, single submitter. Criteria: Invitae Variant Classification Sherloc (09022015). Collection method: clinical testing. Allele origin: germline.
Comment: The frequency data for this variant in the population databases is not available, as this variant may be reported as separate entries in the ExAC database. In summary, the available evidence is currently insufficient to determine the role of this variant in disease. Therefore, it has been classified as a Variant of Uncertain Significance. Algorithms developed to predict the effect of sequence changes on RNA splicing suggest that this variant may create or strengthen a splice site, but this prediction has not been confirmed by published transcriptional studies. Algorithms developed to predict the effect of missense changes on protein structure and function are either unavailable or do not agree on the potential impact of this missense change (SIFT: "Not Available"; PolyPhen-2: "Possibly Damaging"; Align-GVGD: "Not Available"). This variant has not been reported in the literature in individuals with SBF2-related conditions. This sequence change replaces phenylalanine with glutamic acid at codon 559 of the SBF2 protein (p.Phe559Glu). The phenylalanine residue is weakly conserved and there is a moderate physicochemical difference between phenylalanine and glutamic acid.

NM_030962.4(SBF2):c.1675_1677inv (p.Phe559Glu)

Gene: SBF2 (SET binding factor 2; minus strand). Cytogenetic location: 11p15.4.
Variant type: Inversion.
Coding change: c.1675_1677inv on transcript NM_030962.4 (MANE Select).
Protein change: p.Phe559Glu; replaces phenylalanine 559 with glutamic acid.
Molecular consequence: missense variant.
Genome position: GRCh38 VCF-style: chr11-9963806-GAA-TTC. GRCh37 (hg19) VCF-style: chr11-9985353-GAA-TTC.
Other names: c.1675_1677inv, p.Phe559Glu (NM_001386339.1); c.1546_1548inv, p.Phe516Glu (NM_001386342.1); short protein forms F559E, F516E.
Identifiers: ClinVar variation 1016976 (VCV001016976.7), ClinGen allele CA2499221375.